The following is an entry in ClinVar:

NM_001271.4(CHD2):c.5249C>T (p.Ala1750Val)

Gene: CHD2 (chromodomain helicase DNA binding protein 2; plus strand). Cytogenetic location: 15q26.1.
Variant type: single nucleotide variant.
Coding change: c.5249C>T on transcript NM_001271.4 (MANE Select); coding-DNA position 5249, C replaced by T.
Protein change: p.Ala1750Val; replaces alanine 1750 with valine.
Molecular consequence: missense variant.
Genome position (GRCh38, 1-based): chr15:93,024,467, C>T. VCF-style: chr15-93024467-C-T. GRCh37 (hg19) VCF-style: chr15-93567697-C-T.
Other names: short protein forms A1750V.
Identifiers: ClinVar variation 2847857 (VCV002847857.3), dbSNP rs754903291, ClinGen allele CA7748711.
Genomic context (GRCh38, chr15:93,024,467, plus strand): 5'-AATTTAGGCCTCAAAATTACCACCAGCAGGATTTCCGACGAATGTCTGATCACCGCCCCG[C>T]TATGGGCTACCATGGCCAGGGACCCTCAGACCATTACCGCTCTTTCCACACAGATAAACT-3'
Protein context (NP_001262.3, residues 1740-1760): DFRRMSDHRP[Ala1750Val]MGYHGQGPSD

ClinVar aggregate classification (germline): Uncertain significance (1 of 4 stars; one submission).

Conditions:
Developmental and epileptic encephalopathy 94 (DEE94). Also called: CHD2-Related Neurodevelopmental Disorders; Epileptic encephalopathy, childhood-onset. Identifiers: Orphanet 1942, Orphanet 2382, MedGen C3809278, MONDO:0014150, OMIM 615369.

Allele frequency attached by ClinVar (database versions not stated): ExAC 0.00001.
gnomAD v4.1: 1 of 1,614,204 alleles (0.000062%); highest among the groups gnomAD compares: Non-Finnish European, 0.000085%; no homozygotes.

Submission:

Labcorp Genetics (formerly Invitae), Labcorp
Classification: Uncertain significance for Developmental and epileptic encephalopathy 94. Last evaluated: 2023-03-22. Review status: criteria provided, single submitter. Criteria: Invitae Variant Classification Sherloc (09022015). Collection method: clinical testing. Allele origin: germline.
Comment: This sequence change replaces alanine, which is neutral and non-polar, with valine, which is neutral and non-polar, at codon 1750 of the CHD2 protein (p.Ala1750Val). This variant is present in population databases (rs754903291, gnomAD 0.0009%). This variant has not been reported in the literature in individuals affected with CHD2-related conditions. Advanced modeling of protein sequence and biophysical properties (such as structural, functional, and spatial information, amino acid conservation, physicochemical variation, residue mobility, and thermodynamic stability) performed at Invitae indicates that this missense variant is not expected to disrupt CHD2 protein function. In summary, the available evidence is currently insufficient to determine the role of this variant in disease. Therefore, it has been classified as a Variant of Uncertain Significance.